The following is an entry in ClinVar:

NM_004539.4(NARS1):c.91A>G (p.Lys31Glu)

Gene: NARS1 (asparaginyl-tRNA synthetase 1; minus strand). Cytogenetic location: 18q21.31.
Variant type: single nucleotide variant.
Coding change: c.91A>G on transcript NM_004539.4 (MANE Select); coding-DNA position 91, A replaced by G.
Protein change: p.Lys31Glu; replaces lysine 31 with glutamic acid.
Molecular consequence: missense variant.
Genome position (GRCh38, 1-based): chr18:57,620,571, T>C on the plus strand (A>G on the coding strand, the complement: NARS1 is on the minus strand). VCF-style: chr18-57620571-T-C. GRCh37 (hg19) VCF-style: chr18-55287803-T-C.
Other names: short protein forms K31E.
Identifiers: ClinVar variation 2761775 (VCV002761775.3), dbSNP rs2511580160, ClinGen allele CA402554735.

ClinVar aggregate classification (germline): Uncertain significance (1 of 4 stars; one submission).

Allele frequency attached by ClinVar (database versions not stated): gnomAD exomes below 0.00001.
gnomAD v4.1: 1 of 1,607,414 alleles (0.000062%); highest among the groups gnomAD compares: Non-Finnish European, 0.000085%; no homozygotes.

Submission:

Labcorp Genetics (formerly Invitae), Labcorp
Classification: Uncertain significance. Last evaluated: 2024-12-05. Review status: criteria provided, single submitter. Criteria: Invitae Variant Classification Sherloc (09022015). Collection method: clinical testing. Allele origin: germline.
Comment: This sequence change replaces lysine, which is basic and polar, with glutamic acid, which is acidic and polar, at codon 31 of the NARS1 protein (p.Lys31Glu). This variant is not present in population databases (gnomAD no frequency). This variant has not been reported in the literature in individuals affected with NARS1-related conditions. ClinVar contains an entry for this variant (Variation ID: 2761775). An algorithm developed to predict the effect of missense changes on protein structure and function (PolyPhen-2) suggests that this variant is likely to be tolerated. In summary, the available evidence is currently insufficient to determine the role of this variant in disease. Therefore, it has been classified as a Variant of Uncertain Significance.